The following is an entry in ClinVar:

ClinVar aggregate classification (germline): Uncertain significance (1 of 4 stars; one submission).

Conditions:
Inborn genetic diseases. Identifiers: MedGen C0950123, MeSH D030342.

Submission:

Ambry Genetics
Classification: Uncertain significance for Inborn genetic diseases. Last evaluated: 2025-07-25. Review status: criteria provided, single submitter. Criteria: Ambry Variant Classification Scheme 2023. Collection method: clinical testing. Allele origin: germline.
Comment: The p.E751K variant (also known as c.2251G>A), located in coding exon 8 of the MECOM gene, results from a G to A substitution at nucleotide position 2251. The glutamic acid at codon 751 is replaced by lysine, an amino acid with similar properties. This amino acid position is conserved. In addition, this alteration is predicted to be tolerated by in silico analysis. Based on the available evidence, the clinical significance of this variant remains unclear.

NM_004991.4(MECOM):c.2251G>A (p.Glu751Lys)

Gene: MECOM (MDS1 and EVI1 complex locus; minus strand). Cytogenetic location: 3q26.2.
Variant type: single nucleotide variant.
Coding change: c.2251G>A on transcript NM_004991.4 (MANE Select); coding-DNA position 2251, G replaced by A.
Protein change: p.Glu751Lys; replaces glutamic acid 751 with lysine.
Molecular consequence: missense variant.
Genome position (GRCh38, 1-based): chr3:169,115,621, C>T on the plus strand (G>A on the coding strand, the complement: MECOM is on the minus strand). VCF-style: chr3-169115621-C-T. GRCh37 (hg19) VCF-style: chr3-168833409-C-T.
Other names: c.1882G>A, p.Glu628Lys (NM_001105077.4); c.1687G>A, p.Glu563Lys (NM_001105078.4, NM_001164000.2, NM_001205194.2 and 4 more transcripts); c.1690G>A, p.Glu564Lys (NM_001163999.2, NM_001366467.2, NM_001366468.2 and 1 more transcripts); c.2251G>A, p.Glu751Lys (NM_001366466.2); c.1279G>A, p.Glu427Lys (NM_001366473.2); c.715G>A, p.Glu239Lys (NM_001366474.2); short protein forms E427K, E563K, E564K, E628K, E751K, E239K.
Identifiers: ClinVar variation 4105795 (VCV004105795.1).